The following is an entry in ClinVar:

NM_006939.4(SOS2):c.2324T>C (p.Met775Thr)

Gene: SOS2 (SOS Ras/Rho guanine nucleotide exchange factor 2; minus strand). Cytogenetic location: 14q21.3.
Variant type: single nucleotide variant.
Coding change: c.2324T>C on transcript NM_006939.4 (MANE Select); coding-DNA position 2324, T replaced by C.
Protein change: p.Met775Thr; replaces methionine 775 with threonine.
Molecular consequence: missense variant.
Genome position (GRCh38, 1-based): chr14:50,150,068, A>G on the plus strand (T>C on the coding strand, the complement: SOS2 is on the minus strand). VCF-style: chr14-50150068-A-G. GRCh37 (hg19) VCF-style: chr14-50616786-A-G.
Other names: c.2225T>C, p.Met742Thr (NM_001411020.1); short protein forms M742T, M775T.
Identifiers: ClinVar variation 2644224 (VCV002644224.23), dbSNP rs745868017, ClinGen allele CA260729841.

ClinVar aggregate classification (germline): Uncertain significance (1 of 4 stars; one submission).

Allele frequency attached by ClinVar (database versions not stated): gnomAD exomes 0.00001.
gnomAD v4.1: 12 of 1,614,126 alleles (0.00074%); highest among the groups gnomAD compares: Non-Finnish European, 0.001%; no homozygotes.

Submission:

CeGaT Center for Human Genetics Tuebingen
Classification: Uncertain significance. Last evaluated: 2023-10-01. Review status: criteria provided, single submitter. Criteria: CeGaT Center For Human Genetics Tuebingen Variant Classification Criteria Version 2. Collection method: clinical testing. Allele origin: germline. Affected: yes. Observed: 1 variant allele.
Comment: SOS2: PM2